The following is an entry in ClinVar:

ClinVar aggregate classification (germline): Uncertain significance (1 of 4 stars; one submission).

Conditions:
Inborn genetic diseases. Identifiers: MedGen C0950123, MeSH D030342.

Submission:

Ambry Genetics
Classification: Uncertain significance for Inborn genetic diseases. Last evaluated: 2026-06-15. Review status: criteria provided, single submitter. Criteria: Ambry Variant Classification Scheme 2023. Collection method: clinical testing. Allele origin: germline.
Comment: The c.1444C>T (p.R482W) alteration is located in exon 12 (coding exon 12) of the SCAF4 gene. This alteration results from a C to T substitution at nucleotide position 1444, causing the arginine (R) at amino acid position 482 to be replaced by a tryptophan (W). Based on data from gnomAD, the T allele has an overall frequency of <0.001% (0/242438) total alleles studied. The highest observed frequency was <0.001% (/) of alleles. Based on insufficient or conflicting evidence, the clinical significance of this alteration remains unclear.

NM_020706.2(SCAF4):c.1444C>T (p.Arg482Trp)

Gene: SCAF4 (SR-related CTD associated factor 4; minus strand). Cytogenetic location: 21q22.11.
Variant type: single nucleotide variant.
Coding change: c.1444C>T on transcript NM_020706.2 (MANE Select); coding-DNA position 1444, C replaced by T.
Protein change: p.Arg482Trp; replaces arginine 482 with tryptophan.
Molecular consequence: missense variant.
Genome position (GRCh38, 1-based): chr21:31,693,363, G>A on the plus strand (C>T on the coding strand, the complement: SCAF4 is on the minus strand). VCF-style: chr21-31693363-G-A. GRCh37 (hg19) VCF-style: chr21-33065676-G-A.
Other names: c.1399C>T, p.Arg467Trp (NM_001145444.1); c.1444C>T, p.Arg482Trp (NM_001145445.1); short protein forms R467W, R482W.
Identifiers: ClinVar variation 5029049 (VCV005029049.1).